The following is an entry in ClinVar:

NM_005902.4(SMAD3):c.376C>T (p.His126Tyr)

Gene: SMAD3 (SMAD family member 3; plus strand). Cytogenetic location: 15q22.33.
Variant type: single nucleotide variant.
Coding change: c.376C>T on transcript NM_005902.4 (MANE Select); coding-DNA position 376, C replaced by T.
Protein change: p.His126Tyr; replaces histidine 126 with tyrosine.
Molecular consequence: missense variant.
Genome position (GRCh38, 1-based): chr15:67,165,064, C>T. VCF-style: chr15-67165064-C-T. GRCh37 (hg19) VCF-style: chr15-67457402-C-T.
Other names: c.61C>T, p.His21Tyr (NM_001145102.2); c.244C>T, p.His82Tyr (NM_001145103.2); short protein forms H126Y, H21Y, H82Y.
Identifiers: ClinVar variation 263339 (VCV000263339.7), dbSNP rs886038771, ClinGen allele CA10587872.
Genomic context (GRCh38, chr15:67,165,064, plus strand): 5'-ATGGAGCTGTGTGAGTTCGCCTTCAATATGAAGAAGGACGAGGTCTGCGTGAATCCCTAC[C>T]ACTACCAGAGAGTAGAGACACCAGGTATGCTGCCTGGCCTGCCTGTGGGGACAGCAGGTG-3'
Protein context (NP_005893.1, residues 116-136): KKDEVCVNPY[His126Tyr]YQRVETPVLP

ClinVar aggregate classification (germline): Conflicting classifications of pathogenicity. Review status: criteria provided, conflicting classifications (1 of 4 stars). 2 submissions from 2 submitters: Likely pathogenic (1); Uncertain significance (1). Last evaluated 2022-03-30.

Conditions:
Familial thoracic aortic aneurysm and aortic dissection (TAAD). Also called: Thoracic aortic aneurysms and dissections. Identifiers: Orphanet 91387, MedGen C4707243, MONDO:0019625.
Aneurysm-osteoarthritis syndrome. Also called: SMAD3-Related Loeys-Dietz Syndrome; LOEYS-DIETZ SYNDROME WITH OSTEOARTHRITIS; ANEURYSMS-OSTEOARTHRITIS SYNDROME; Loeys-Dietz syndrome, type 1C. Identifiers: Orphanet 284984, MedGen C3151087, MONDO:0013426, OMIM 613795.

Submissions (2):

Ambry Genetics
Classification: Uncertain significance for Familial thoracic aortic aneurysm and aortic dissection. Last evaluated: 2022-03-30. Review status: criteria provided, single submitter. Criteria: Ambry Variant Classification Scheme 2023. Collection method: clinical testing. Allele origin: germline.
Comment: The p.H126Y variant (also known as c.376C>T), located in coding exon 2 of the SMAD3 gene, results from a C to T substitution at nucleotide position 376. The histidine at codon 126 is replaced by tyrosine, an amino acid with similar properties. This variant has been reported in a thoracic aortic aneurysm and dissection (TAAD) cohort; however, clinical details were limited (Arnaud P et al. Genet. Med., 2019 Feb; Hostetler EM et al. J. Med. Genet., 2019 Apr;56:252-260). This amino acid position is highly conserved in available vertebrate species. In addition, this alteration is predicted to be deleterious by in silico analysis. Since supporting evidence is limited at this time, the clinical significance of this alteration remains unclear.

Juno Genomics, Hangzhou Juno Genomics, Inc
Classification: Likely pathogenic for Aneurysm-osteoarthritis syndrome. Review status: criteria provided, single submitter. Criteria: ACMG Guidelines, 2015. Collection method: clinical testing. Allele origin: germline.
Comment: Absent from controls (or at extremely low frequency if recessive) in Genome Aggregation Database.;Missense variant in a gene that has a low rate of benign missense variation.;Multiple lines of computational evidence support a deleterious effect on the gene or gene product.

Literature cited by the submitters: PubMed 30661052 (cited by Ambry Genetics); PubMed 30739908 (cited by Ambry Genetics).